The following is an entry in ClinVar:

NM_004655.4(AXIN2):c.1279C>T (p.Pro427Ser)

Gene: AXIN2 (axin 2; minus strand). Cytogenetic location: 17q24.1.
Variant type: single nucleotide variant.
Coding change: c.1279C>T on transcript NM_004655.4 (MANE Select); coding-DNA position 1279, C replaced by T.
Protein change: p.Pro427Ser; replaces proline 427 with serine.
Molecular consequence: missense variant.
Genome position (GRCh38, 1-based): chr17:65,537,757, G>A on the plus strand (C>T on the coding strand, the complement: AXIN2 is on the minus strand). VCF-style: chr17-65537757-G-A. GRCh37 (hg19) VCF-style: chr17-63533875-G-A.
Other names: c.1279C>T, p.Pro427Ser (NM_001363813.1); short protein forms P427S.
Identifiers: ClinVar variation 1767334 (VCV001767334.2), dbSNP rs2043960473, ClinGen allele CA400677827.

ClinVar aggregate classification (germline): Uncertain significance (1 of 4 stars; one submission).

Conditions:
Hereditary cancer-predisposing syndrome. Also called: Hereditary Cancer Syndrome; Hereditary neoplastic syndrome; Neoplastic Syndromes, Hereditary; Tumor predisposition. Identifiers: Orphanet 140162, MedGen C0027672, MeSH D009386, MONDO:0015356.

gnomAD v4.1: 1 of 1,580,892 alleles (0.000063%); no homozygotes.

Submission:

Ambry Genetics
Classification: Uncertain significance for Hereditary cancer-predisposing syndrome. Last evaluated: 2020-11-23. Review status: criteria provided, single submitter. Criteria: Ambry Variant Classification Scheme 2023. Collection method: clinical testing. Allele origin: germline.
Comment: The p.P427S variant (also known as c.1279C>T), located in coding exon 5 of the AXIN2 gene, results from a C to T substitution at nucleotide position 1279. The proline at codon 427 is replaced by serine, an amino acid with similar properties. This amino acid position is well conserved in available vertebrate species. In addition, this alteration is predicted to be tolerated by in silico analysis. Since supporting evidence is limited at this time, the clinical significance of this alteration remains unclear.